The following is an entry in ClinVar:

ClinVar aggregate classification (germline): Uncertain significance. Review status: criteria provided, multiple submitters, no conflicts (2 of 4 stars). 2 submissions from 2 submitters: Uncertain significance (2). Last evaluated 2025-04-01.

Conditions:
Inborn genetic diseases. Identifiers: MedGen C0950123, MeSH D030342.

Allele frequency attached by ClinVar (database versions not stated): gnomAD 0.00001; ESP Exome Variant Server 0.00008; ExAC 0.00002.
gnomAD v4.1: 27 of 1,614,052 alleles (0.0017%); highest among the groups gnomAD compares: Non-Finnish European, 0.0021%; no homozygotes.

Submissions (2):

Ambry Genetics
Classification: Uncertain significance for Inborn genetic diseases. Last evaluated: 2025-04-01. Review status: criteria provided, single submitter. Criteria: Ambry Variant Classification Scheme 2023. Collection method: clinical testing. Allele origin: germline.

Labcorp Genetics (formerly Invitae), Labcorp
Classification: Uncertain significance. Last evaluated: 2022-07-31. Review status: criteria provided, single submitter. Criteria: Invitae Variant Classification Sherloc (09022015). Collection method: clinical testing. Allele origin: germline.
Comment: This sequence change replaces alanine, which is neutral and non-polar, with threonine, which is neutral and polar, at codon 1777 of the C2CD3 protein (p.Ala1777Thr). This variant is present in population databases (rs370890163, gnomAD 0.007%). This variant has not been reported in the literature in individuals affected with C2CD3-related conditions. ClinVar contains an entry for this variant (Variation ID: 1345505). Algorithms developed to predict the effect of missense changes on protein structure and function output the following: SIFT: "Tolerated"; PolyPhen-2: "Benign"; Align-GVGD: "Class C0". The threonine amino acid residue is found in multiple mammalian species, which suggests that this missense change does not adversely affect protein function. In summary, the available evidence is currently insufficient to determine the role of this variant in disease. Therefore, it has been classified as a Variant of Uncertain Significance.

NM_001286577.2(C2CD3):c.5329G>A (p.Ala1777Thr)

Gene: C2CD3 (C2 domain containing 3 centriole elongation regulator; minus strand). Cytogenetic location: 11q13.4.
Variant type: single nucleotide variant.
Coding change: c.5329G>A on transcript NM_001286577.2 (MANE Select); coding-DNA position 5329, G replaced by A.
Protein change: p.Ala1777Thr; replaces alanine 1777 with threonine.
Molecular consequence: missense variant.
Genome position (GRCh38, 1-based): chr11:74,049,369, C>T on the plus strand (G>A on the coding strand, the complement: C2CD3 is on the minus strand). VCF-style: chr11-74049369-C-T. GRCh37 (hg19) VCF-style: chr11-73760414-C-T.
Other names: c.5329G>A, p.Ala1777Thr (NM_015531.6); c.5329G>A (NM_015531.4); short protein forms A1777T.
Identifiers: ClinVar variation 1345505 (VCV001345505.7), dbSNP rs370890163, ClinGen allele CA6181925.